The following is an entry in ClinVar:

NM_004385.5(VCAN):c.574G>A (p.Gly192Arg)

Gene: VCAN (versican; plus strand). Cytogenetic location: 5q14.2.
Variant type: single nucleotide variant.
Coding change: c.574G>A on transcript NM_004385.5 (MANE Select); coding-DNA position 574, G replaced by A.
Protein change: p.Gly192Arg; replaces glycine 192 with arginine.
Molecular consequence: missense variant.
Genome position (GRCh38, 1-based): chr5:83,493,674, G>A. VCF-style: chr5-83493674-G-A. GRCh37 (hg19) VCF-style: chr5-82789493-G-A.
Other names: c.574G>A, p.Gly192Arg (NM_001126336.3, NM_001164097.2, NM_001164098.2); short protein forms G192R.
Identifiers: ClinVar variation 259369 (VCV000259369.25), dbSNP rs141008923, ClinGen allele CA3332477.
Genomic context (GRCh38, chr5:83,493,674, plus strand): 5'-TGTTTGGACGTTGGGGCAGTCATAGCAACTCCAGAGCAGCTCTTTGCTGCCTATGAAGAT[G>A]GATTTGAGCAGTGTGACGCAGGCTGGCTGGCTGATCAGACTGTCAGGTAAGAGGTCTGGG-3'
Protein context (NP_004376.2, residues 182-202): PEQLFAAYED[Gly192Arg]FEQCDAGWLA

ClinVar aggregate classification (germline): Benign/Likely benign. Review status: criteria provided, multiple submitters, no conflicts (2 of 4 stars). 8 submissions from 8 submitters: Benign (2); Likely benign (3). 3 of the submissions do not count toward it. Last evaluated 2026-01-19.

Conditions:
Vitreoretinopathy. Also called: Vitreoretinal degeneration. Identifiers: MedGen C0344290, MONDO:0020248, HP:0007773.

Allele frequency attached by ClinVar (database versions not stated): 1000 Genomes Project 0.00160; 1000 Genomes Project 30x 0.00172; ExAC 0.00180; gnomAD exomes 0.00204 and 0.00279; ESP Exome Variant Server 0.00208; gnomAD 0.00241 and 0.00245; TOPMed 0.00294.
gnomAD v4.1: 4,446 of 1,614,170 alleles (0.28%); highest among the groups gnomAD compares: Non-Finnish European, 0.33%; 14 homozygotes.

Submissions (8):

Labcorp Genetics (formerly Invitae), Labcorp
Classification: Likely benign. Last evaluated: 2026-01-19. Review status: criteria provided, single submitter. Criteria: Invitae Variant Classification Sherloc (09022015). Collection method: clinical testing. Allele origin: germline.

Blueprint Genetics
Classification: Benign. Last evaluated: 2024-11-20. Review status: criteria provided, single submitter. Criteria: ACMG Guidelines, 2015. Collection method: clinical testing. Allele origin: germline.

Illumina Laboratory Services, Illumina
Classification: Benign for Vitreoretinopathy. Last evaluated: 2018-01-13. Review status: criteria provided, single submitter. Criteria: ICSL Variant Classification Criteria 13 December 2019. Collection method: clinical testing. Allele origin: germline.
Comment: This variant was observed in the ICSL laboratory as part of a predisposition screen in an ostensibly healthy population. It had not been previously curated by ICSL or reported in the Human Gene Mutation Database (HGMD: prior to June 1st, 2018), and was therefore a candidate for classification through an automated scoring system. Utilizing variant allele frequency, disease prevalence and penetrance estimates, and inheritance mode, an automated score was calculated to assess if this variant is too frequent to cause the disease. Based on the score and internal cut-off values, a variant classified as benign is not then subjected to further curation. The score for this variant resulted in a classification of benign for this disease.

Breakthrough Genomics
Classification: Likely benign. Review status: criteria provided, single submitter. Criteria: ACMG Guidelines, 2015. Collection method: not provided. Allele origin: germline. Inheritance: Autosomal dominant inheritance. Affected: yes.

PreventionGenetics, part of Exact Sciences
Classification: Likely benign. Review status: criteria provided, single submitter. Criteria: ACMG Guidelines, 2015. Collection method: clinical testing. Allele origin: germline.

Clinical Genetics DNA and cytogenetics Diagnostics Lab, Erasmus MC, Erasmus Medical Center
Classification: Likely benign. Review status: no assertion criteria provided. Collection method: clinical testing. Allele origin: germline. Affected: yes. Study: VKGL Data-share Consensus. Not counted in ClinVar's aggregate classification.

Clinical Genetics, Academic Medical Center
Classification: Likely benign. Review status: no assertion criteria provided. Collection method: clinical testing. Allele origin: germline. Affected: yes. Study: VKGL Data-share Consensus. Not counted in ClinVar's aggregate classification.

Diagnostic Laboratory, Department of Genetics, University Medical Center Groningen
Classification: Likely benign. Review status: no assertion criteria provided. Collection method: clinical testing. Allele origin: germline. Affected: yes. Study: VKGL Data-share Consensus. Not counted in ClinVar's aggregate classification.